The following is an entry in ClinVar:

ClinVar aggregate classification (germline): Pathogenic (1 of 4 stars; one submission).

Submission:

Labcorp Genetics (formerly Invitae), Labcorp
Classification: Pathogenic. Last evaluated: 2023-02-02. Review status: criteria provided, single submitter. Criteria: Invitae Variant Classification Sherloc (09022015). Collection method: clinical testing. Allele origin: unknown.
Comment: For these reasons, this variant has been classified as Pathogenic. This variant disrupts a region of the USH2A protein in which other variant(s) (p.Ser1136Asn) have been determined to be pathogenic (PMID: 22135276, 25991456, 27460420, 27957503, 28512305, 30718709). This suggests that this is a clinically significant region of the protein, and that variants that disrupt it are likely to be disease-causing. This variant has not been reported in the literature in individuals affected with USH2A-related conditions. This variant results in the deletion of part of exon 17 (c.3317-1854_3449del) of the USH2A gene. It is expected to disrupt RNA splicing. Variants that disrupt the donor or acceptor splice site typically lead to a loss of protein function (PMID: 16199547), and loss-of-function variants in USH2A are known to be pathogenic (PMID: 10729113, 10909849, 20507924, 25649381).

Literature cited by the submitters: PubMed 22135276; PubMed 25991456; PubMed 27460420; PubMed 27957503; PubMed 28512305; PubMed 30718709; PubMed 16199547; PubMed 10729113; PubMed 10909849; PubMed 20507924; PubMed 25649381.

NC_000001.10:g.(?_216373331)_(216375317_?)del

Gene: USH2A (usherin; minus strand). Cytogenetic location: 1q41.
Variant type: Deletion.
Identifiers: ClinVar variation 3248082 (VCV003248082.1).